The following is an entry in ClinVar:

ClinVar aggregate classification (germline): Uncertain significance (1 of 4 stars; one submission).

Submission:

Labcorp Genetics (formerly Invitae), Labcorp
Classification: Uncertain significance. Last evaluated: 2025-04-30. Review status: criteria provided, single submitter. Criteria: Invitae Variant Classification Sherloc (09022015). Collection method: clinical testing. Allele origin: germline.
Comment: This sequence change replaces asparagine, which is neutral and polar, with serine, which is neutral and polar, at codon 622 of the TWNK protein (p.Asn622Ser). This variant is not present in population databases (gnomAD no frequency). This variant has not been reported in the literature in individuals affected with TWNK-related conditions. Invitae Evidence Modeling of protein sequence and biophysical properties (such as structural, functional, and spatial information, amino acid conservation, physicochemical variation, residue mobility, and thermodynamic stability) indicates that this missense variant is not expected to disrupt TWNK protein function with a negative predictive value of 80%. In summary, the available evidence is currently insufficient to determine the role of this variant in disease. Therefore, it has been classified as a Variant of Uncertain Significance.

NM_021830.5(TWNK):c.1865A>G (p.Asn622Ser)

Gene: TWNK (twinkle mtDNA helicase; plus strand). Cytogenetic location: 10q24.31.
Variant type: single nucleotide variant.
Coding change: c.1865A>G on transcript NM_021830.5 (MANE Select); coding-DNA position 1865, A replaced by G.
Protein change: p.Asn622Ser; replaces asparagine 622 with serine.
Molecular consequence: missense variant. On other transcripts: 3 prime UTR variant (2), non-coding transcript variant (5).
Genome position (GRCh38, 1-based): chr10:100,993,320, A>G. VCF-style: chr10-100993320-A-G. GRCh37 (hg19) VCF-style: chr10-102753077-A-G.
Other names: c.*160A>G (NM_001163812.2, NM_001163814.2); c.503A>G, p.Asn168Ser (NM_001163813.2, NM_001368275.1); short protein forms N168S, N622S.
Identifiers: ClinVar variation 4774918 (VCV004774918.1).